The following is an entry in ClinVar:

NM_032447.5(FBN3):c.2044+10G>A

Gene: FBN3 (fibrillin 3; minus strand). Cytogenetic location: 19p13.2.
Variant type: single nucleotide variant.
Coding change: c.2044+10G>A on transcript NM_032447.5 (MANE Select); 10 bases into the intron after coding-DNA position 2044, G replaced by A.
Molecular consequence: intron variant.
Genome position (GRCh38, 1-based): chr19:8,131,225, C>T on the plus strand (G>A on the coding strand, the complement: FBN3 is on the minus strand). VCF-style: chr19-8131225-C-T. GRCh37 (hg19) VCF-style: chr19-8196109-C-T.
Other names: c.2044+10G>A (NM_001321431.2, NM_001321431.1).
Identifiers: ClinVar variation 2201314 (VCV002201314.6), dbSNP rs368876720, ClinGen allele CA9153065.

ClinVar aggregate classification (germline): Benign. Review status: criteria provided, single submitter (1 of 4 stars). 2 submissions from 2 submitters: Benign (1). 1 of the submissions does not count toward it. Last evaluated 2025-11-12.

Conditions:
FBN3-related disorder. Also called: FBN3-related condition.

Allele frequency attached by ClinVar (database versions not stated): ESP Exome Variant Server 0.00008; TOPMed 0.00009; ExAC 0.00070; 1000 Genomes Project 0.00080; gnomAD 0.00020; gnomAD exomes 0.00029; 1000 Genomes Project 30x 0.00094.
gnomAD v4.1: 455 of 1,605,642 alleles (0.028%); highest among the groups gnomAD compares: South Asian, 0.38%; 8 homozygotes.

Submissions (2):

Labcorp Genetics (formerly Invitae), Labcorp
Classification: Benign. Last evaluated: 2025-11-12. Review status: criteria provided, single submitter. Criteria: Invitae Variant Classification Sherloc (09022015). Collection method: clinical testing. Allele origin: germline.

PreventionGenetics, part of Exact Sciences
Classification: Likely benign for FBN3-related condition. Last evaluated: 2019-08-05. Review status: no assertion criteria provided. Collection method: clinical testing. Allele origin: germline. Not counted in ClinVar's aggregate classification.
Comment: This variant is classified as likely benign based on ACMG/AMP sequence variant interpretation guidelines (Richards et al. 2015 PMID: 25741868, with internal and published modifications).